The following is an entry in ClinVar:

ClinVar aggregate classification (germline): Uncertain significance (1 of 4 stars; one submission).

Conditions:
Rubinstein-Taybi syndrome (RSTS). Identifiers: Orphanet 783, MedGen C0035934, MONDO:0019188.

Submission:

Labcorp Genetics (formerly Invitae), Labcorp
Classification: Uncertain significance for Rubinstein-Taybi syndrome. Last evaluated: 2023-08-10. Review status: criteria provided, single submitter. Criteria: Invitae Variant Classification Sherloc (09022015). Collection method: clinical testing. Allele origin: germline.
Comment: Advanced modeling of protein sequence and biophysical properties (such as structural, functional, and spatial information, amino acid conservation, physicochemical variation, residue mobility, and thermodynamic stability) has been performed at Invitae for this missense variant, however the output from this modeling did not meet the statistical confidence thresholds required to predict the impact of this variant on CREBBP protein function. In summary, the available evidence is currently insufficient to determine the role of this variant in disease. Therefore, it has been classified as a Variant of Uncertain Significance. This variant is not present in population databases (gnomAD no frequency). This variant has not been reported in the literature in individuals affected with CREBBP-related conditions. This sequence change replaces isoleucine, which is neutral and non-polar, with valine, which is neutral and non-polar, at codon 2101 of the CREBBP protein (p.Ile2101Val).

NM_004380.3(CREBBP):c.6301A>G (p.Ile2101Val)

Gene: CREBBP (CREB binding lysine acetyltransferase; minus strand). Cytogenetic location: 16p13.3.
Variant type: single nucleotide variant.
Coding change: c.6301A>G on transcript NM_004380.3 (MANE Select); coding-DNA position 6301, A replaced by G.
Protein change: p.Ile2101Val; replaces isoleucine 2101 with valine.
Molecular consequence: missense variant.
Genome position (GRCh38, 1-based): chr16:3,728,746, T>C on the plus strand (A>G on the coding strand, the complement: CREBBP is on the minus strand). VCF-style: chr16-3728746-T-C. GRCh37 (hg19) VCF-style: chr16-3778747-T-C.
Other names: c.6187A>G, p.Ile2063Val (NM_001079846.1); short protein forms I2101V, I2063V.
Identifiers: ClinVar variation 2835624 (VCV002835624.3), dbSNP rs2548346140, ClinGen allele CA394553688.